The following is an entry in ClinVar:

ClinVar aggregate classification (germline): Benign (0 of 4 stars; one submission).

Conditions:
BCAT1-related disorder. Also called: BCAT1-related condition.

Allele frequency attached by ClinVar (database versions not stated): 1000 Genomes Project 30x 0.62086; 1000 Genomes Project 0.62400; ESP Exome Variant Server 0.63830; TOPMed 0.64064; gnomAD 0.64777.
gnomAD v4.1: 1,050,247 of 1,610,706 alleles (65%); highest among the groups gnomAD compares: Admixed American, 66%; 343,602 homozygotes.

Submission:

PreventionGenetics, part of Exact Sciences
Classification: Benign for BCAT1-related condition. Last evaluated: 2019-09-24. Review status: no assertion criteria provided. Collection method: clinical testing. Allele origin: germline.
Comment: This variant is classified as benign based on ACMG/AMP sequence variant interpretation guidelines (Richards et al. 2015 PMID: 25741868, with internal and published modifications).

NM_005504.7(BCAT1):c.7-72C>T

Gene: BCAT1 (branched chain amino acid transaminase 1; minus strand). Cytogenetic location: 12p12.1.
Variant type: single nucleotide variant.
Coding change: c.7-72C>T on transcript NM_005504.7 (MANE Select); 72 bases into the intron before coding-DNA position 7, C replaced by T.
Molecular consequence: intron variant.
Genome position (GRCh38, 1-based): chr12:24,901,957, G>A on the plus strand (C>T on the coding strand, the complement: BCAT1 is on the minus strand). VCF-style: chr12-24901957-G-A. GRCh37 (hg19) VCF-style: chr12-25054891-G-A.
Other names: c.-162-72C>T (NM_001413107.1, NM_001413106.1, NM_001413105.1); c.7-72C>T (NM_001413101.1, NM_001413103.1, NM_001178091.2); c.7-7482C>T (NM_001178092.2, NM_001413094.1); c.-154-80C>T (NM_001413104.1, NM_001413098.1); c.43-72C>T (NM_001413100.1, NM_001413095.1, NM_001413090.1 and 4 more transcripts); c.52-72C>T (NM_001413089.1); c.79-72C>T (NM_001413087.1); c.3+6C>T (NM_001413093.1, NM_001413102.1, NM_001413097.1 and 4 more transcripts).
Identifiers: ClinVar variation 3059033 (VCV003059033.2), dbSNP rs2291894, ClinGen allele CA6485144.
Genomic context (GRCh38, chr12:24,901,957, plus strand): 5'-ATTAAACCACCATTAAGTAAATGCAGGTGGGTAAGCGGGACCCGGGGTAACCTACGTGAC[G>A]CTCACCATGATACCGTGCGCTCCTCTCCAGGACCCAGGCAAACACAAAAAAGGAGGCTCA-3'